The following is an entry in ClinVar:

NM_001375524.1(TRRAP):c.7562A>G (p.Gln2521Arg)

Gene: TRRAP (transformation/transcription domain associated protein; plus strand). Cytogenetic location: 7q22.1.
Variant type: single nucleotide variant.
Coding change: c.7562A>G on transcript NM_001375524.1 (MANE Select); coding-DNA position 7562, A replaced by G.
Protein change: p.Gln2521Arg; replaces glutamine 2521 with arginine.
Molecular consequence: missense variant.
Genome position (GRCh38, 1-based): chr7:98,970,161, A>G. VCF-style: chr7-98970161-A-G. GRCh37 (hg19) VCF-style: chr7-98567784-A-G.
Other names: c.7541A>G, p.Gln2514Arg (NM_001244580.2); c.7487A>G, p.Gln2496Arg (NM_003496.4); short protein forms Q2496R, Q2514R, Q2521R.
Identifiers: ClinVar variation 2657707 (VCV002657707.24), dbSNP rs2116704285, ClinGen allele CA368295924.

ClinVar aggregate classification (germline): Uncertain significance (1 of 4 stars; one submission).

Submission:

CeGaT Center for Human Genetics Tuebingen
Classification: Uncertain significance. Last evaluated: 2022-12-01. Review status: criteria provided, single submitter. Criteria: CeGaT Center For Human Genetics Tuebingen Variant Classification Criteria Version 2. Collection method: clinical testing. Allele origin: germline. Affected: yes. Observed: 1 variant allele.
Comment: TRRAP: PM2